The following is an entry in ClinVar:

ClinVar aggregate classification (germline): Uncertain significance (1 of 4 stars; one submission).

Conditions:
Capillary malformation-arteriovenous malformation syndrome. Also called: Capillary malformation-arteriovenous malformation. Identifiers: Orphanet 137667, MedGen C1842180, MONDO:0012016.

Submission:

Labcorp Genetics (formerly Invitae), Labcorp
Classification: Uncertain significance for Capillary malformation-arteriovenous malformation syndrome. Last evaluated: 2025-06-23. Review status: criteria provided, single submitter. Criteria: Invitae Variant Classification Sherloc (09022015). Collection method: clinical testing. Allele origin: germline.
Comment: This sequence change replaces serine, which is neutral and polar, with phenylalanine, which is neutral and non-polar, at codon 247 of the RASA1 protein (p.Ser247Phe). This variant is not present in population databases (gnomAD no frequency). This variant has not been reported in the literature in individuals affected with RASA1-related conditions. An algorithm developed to predict the effect of missense changes on protein structure and function (PolyPhen-2) suggests that this variant is likely to be disruptive. In summary, the available evidence is currently insufficient to determine the role of this variant in disease. Therefore, it has been classified as a Variant of Uncertain Significance.

NM_002890.3(RASA1):c.740C>T (p.Ser247Phe)

Genes: CCNH (cyclin H; minus strand), RASA1 (RAS p21 protein activator 1; plus strand). Cytogenetic location: 5q14.3.
Variant type: single nucleotide variant.
Coding change: c.740C>T on transcript NM_002890.3 (MANE Select); coding-DNA position 740, C replaced by T.
Protein change: p.Ser247Phe; replaces serine 247 with phenylalanine.
Molecular consequence: missense variant. On other transcripts: intron variant (1).
Genome position (GRCh38, 1-based): chr5:87,332,554, C>T. VCF-style: chr5-87332554-C-T. GRCh37 (hg19) VCF-style: chr5-86628371-C-T.
Other names: c.209C>T, p.Ser70Phe (NM_022650.3); c.934-19759G>A (NM_001364075.2); short protein forms S70F, S247F.
Identifiers: ClinVar variation 4721993 (VCV004721993.1).